The following is an entry in ClinVar:

NM_002769.5(PRSS1):c.469G>A (p.Glu157Lys)

Genes: PRSS1 (serine protease 1; plus strand), TRB (T cell receptor beta locus; plus strand). Cytogenetic location: 7q34.
Variant type: single nucleotide variant.
Coding change: c.469G>A on transcript NM_002769.5 (MANE Select); coding-DNA position 469, G replaced by A.
Protein change: p.Glu157Lys; replaces glutamic acid 157 with lysine.
Molecular consequence: missense variant.
Genome position (GRCh38, 1-based): chr7:142,752,445, G>A. VCF-style: chr7-142752445-G-A. GRCh37 (hg19) VCF-style: chr7-142460296-G-A.
Other names: short protein forms E157K.
Identifiers: ClinVar variation 459185 (VCV000459185.16), dbSNP rs200890507, ClinGen allele CA4530021.

ClinVar aggregate classification (germline): Uncertain significance. Review status: criteria provided, multiple submitters, no conflicts (2 of 4 stars). 3 submissions from 3 submitters: Uncertain significance (3). Last evaluated 2026-02-03.

Conditions:
Hereditary pancreatitis (PCTT). Also called: Hereditary chronic pancreatitis; PRSS1-Related Hereditary Pancreatitis. Identifiers: Orphanet 676, MedGen C0238339, MONDO:0008185, OMIM 167800.

Allele frequency attached by ClinVar (database versions not stated): TOPMed 0.00003; 1000 Genomes Project 30x 0.00031; 1000 Genomes Project 0.00040.
gnomAD v4.1: 42 of 1,614,128 alleles (0.0026%); highest among the groups gnomAD compares: East Asian, 0.058%; no homozygotes.

Submissions (3):

Labcorp Genetics (formerly Invitae), Labcorp
Classification: Uncertain significance for Hereditary pancreatitis. Last evaluated: 2026-02-03. Review status: criteria provided, single submitter. Criteria: Invitae Variant Classification Sherloc (09022015). Collection method: clinical testing. Allele origin: germline.
Comment: This sequence change replaces glutamic acid, which is acidic and polar, with lysine, which is basic and polar, at codon 157 of the PRSS1 protein (p.Glu157Lys). The frequency data for this variant in the population databases is considered unreliable, as metrics indicate poor data quality at this position in the gnomAD database. This variant has not been reported in the literature in individuals affected with PRSS1-related conditions. ClinVar contains an entry for this variant (Variation ID: 459185). Invitae Evidence Modeling of protein sequence and biophysical properties (such as structural, functional, and spatial information, amino acid conservation, physicochemical variation, residue mobility, and thermodynamic stability) indicates that this missense variant is not expected to disrupt PRSS1 protein function with a negative predictive value of 80%. In summary, the available evidence is currently insufficient to determine the role of this variant in disease. Therefore, it has been classified as a Variant of Uncertain Significance.

Ambry Genetics
Classification: Uncertain significance for Hereditary pancreatitis. Last evaluated: 2024-06-30. Review status: criteria provided, single submitter. Criteria: Ambry Variant Classification Scheme 2023. Collection method: clinical testing. Allele origin: germline.
Comment: The p.E157K variant (also known as c.469G>A), located in coding exon 4 of the PRSS1 gene, results from a G to A substitution at nucleotide position 469. The glutamic acid at codon 157 is replaced by lysine, an amino acid with similar properties. In a cohort of individuals with pancreatic cancer, this variant was identified in 1 individual; however, specific phenotype and genotype information was limited (Grant RC et al. Gastroenterology, 2015 Mar;148:556-64). This amino acid position is poorly conserved in available vertebrate species. In addition, this alteration is predicted to be tolerated by in silico analysis. Based on available evidence to date, the clinical significance of this alteration remains unclear.

Department of Pathology and Laboratory Medicine, Sinai Health System
Classification: Uncertain significance for Hereditary pancreatitis. Last evaluated: 2021-11-10. Review status: criteria provided, single submitter. Criteria: ACMG Guidelines, 2015. Collection method: research. Allele origin: germline.

Literature cited by the submitters: PubMed 25479140 (cited by Ambry Genetics).